The following is an entry in ClinVar:

NM_001005361.3(DNM2):c.853C>G (p.Leu285Val)

Gene: DNM2 (dynamin 2; plus strand). Cytogenetic location: 19p13.2.
Variant type: single nucleotide variant.
Coding change: c.853C>G on transcript NM_001005361.3 (MANE Select); coding-DNA position 853, C replaced by G.
Protein change: p.Leu285Val; replaces leucine 285 with valine.
Molecular consequence: missense variant.
Genome position (GRCh38, 1-based): chr19:10,786,567, C>G. VCF-style: chr19-10786567-C-G. GRCh37 (hg19) VCF-style: chr19-10897243-C-G.
Other names: NM_001005361.3(DNM2):c.853C>G; c.853C>G, p.Leu285Val (NM_001005360.3, NM_001005362.3, NM_001190716.2 and 1 more transcripts); short protein forms L285V.
Identifiers: ClinVar variation 224681 (VCV000224681.3), dbSNP rs878854382, ClinGen allele CA10575981.

ClinVar aggregate classification (germline): Uncertain significance. Review status: criteria provided, multiple submitters, no conflicts (2 of 4 stars). 2 submissions from 2 submitters: Uncertain significance (2). Last evaluated 2025-06-23.

Conditions:
Autosomal dominant centronuclear myopathy. Also called: MYOTUBULAR MYOPATHY, AUTOSOMAL DOMINANT; Myopathy, centronuclear, 3. Identifiers: Orphanet 169189, MedGen C4551952, MeSH D020914, MONDO:0008048, OMIM 160150.

Submissions (2):

Broad Center for Mendelian Genomics, Broad Institute of MIT and Harvard
Classification: Uncertain significance for Autosomal dominant centronuclear myopathy. Last evaluated: 2025-06-23. Review status: criteria provided, single submitter. Criteria: ACMG Guidelines, 2015. Collection method: curation. Allele origin: germline. Inheritance: Autosomal dominant inheritance. Study: GREGoR Consortium.
Comment: The heterozygous p.Leu285Val variant in DNM2 was identified by our study in 2 half siblings with autosomal dominant centronuclear myopathy (PMID: 38544359, 27854218). This variant was inherited from an unaffected and mosaic mother. The p.Leu285Val variant in DNM1 has not been previously reported in individuals with congenital muscular dystrophy, and was absent from large population studies. This variant has also been reported in ClinVar (Variation ID: 224681) and has been interpreted as a variant of uncertain significance by Center for Genetic Medicine Research (Children's National Medical Center). Computational prediction tools and conservation analyses suggest that this variant may impact the protein, though this information is not predictive enough to determine pathogenicity. The number of missense variants reported in DNM2 in the general population is lower than expected, suggesting there is little benign variation in this gene and slightly increasing the possibility that a missense variant in this gene may not be tolerated. In summary, the clinical significance of the p.Leu285Val variant is uncertain. ACMG/AMP Criteria applied: PP3_moderate, PP2, PM2_supporting (Richards 2015).

Center for Genetic Medicine Research, Children's National Medical Center
Classification: Uncertain significance. Last evaluated: 2015-12-01. Review status: criteria provided, single submitter. Criteria: Punetha et al. (J Neuromuscul Dis. 2016). Collection method: research. Allele origin: unknown.